The following is an entry in ClinVar:

NM_001006658.3(CR2):c.1523A>G (p.Glu508Gly)

Gene: CR2 (complement C3d receptor 2; plus strand). Cytogenetic location: 1q32.2.
Variant type: single nucleotide variant.
Coding change: c.1523A>G on transcript NM_001006658.3 (MANE Select); coding-DNA position 1523, A replaced by G.
Protein change: p.Glu508Gly; replaces glutamic acid 508 with glycine.
Molecular consequence: missense variant.
Genome position (GRCh38, 1-based): chr1:207,471,452, A>G. VCF-style: chr1-207471452-A-G. GRCh37 (hg19) VCF-style: chr1-207644797-A-G.
Other names: c.1523A>G, p.Glu508Gly (NM_001877.5); short protein forms E508G.
Identifiers: ClinVar variation 1384777 (VCV001384777.6), dbSNP rs2102304745, ClinGen allele CA344531517.

ClinVar aggregate classification (germline): Uncertain significance (1 of 4 stars; one submission).

Conditions:
Immunodeficiency, common variable, 7. Identifiers: Orphanet 1572, Orphanet 696894, MedGen C3542922, MONDO:0013862, OMIM 614699.

Submission:

Labcorp Genetics (formerly Invitae), Labcorp
Classification: Uncertain significance for Immunodeficiency, common variable, 7. Last evaluated: 2021-10-05. Review status: criteria provided, single submitter. Criteria: Invitae Variant Classification Sherloc (09022015). Collection method: clinical testing. Allele origin: germline.
Comment: In summary, the available evidence is currently insufficient to determine the role of this variant in disease. Therefore, it has been classified as a Variant of Uncertain Significance. Algorithms developed to predict the effect of missense changes on protein structure and function (SIFT, PolyPhen-2, Align-GVGD) all suggest that this variant is likely to be tolerated. This sequence change replaces glutamic acid with glycine at codon 508 of the CR2 protein (p.Glu508Gly). The glutamic acid residue is weakly conserved and there is a moderate physicochemical difference between glutamic acid and glycine. This variant is not present in population databases (ExAC no frequency). This variant has not been reported in the literature in individuals affected with CR2-related conditions.